The following is an entry in ClinVar:

NM_018238.4(AGK):c.880C>A (p.Leu294Ile)

Gene: AGK (acylglycerol kinase; plus strand). Cytogenetic location: 7q34.
Variant type: single nucleotide variant.
Coding change: c.880C>A on transcript NM_018238.4 (MANE Select); coding-DNA position 880, C replaced by A.
Protein change: p.Leu294Ile; replaces leucine 294 with isoleucine.
Molecular consequence: missense variant.
Genome position (GRCh38, 1-based): chr7:141,641,813, C>A. VCF-style: chr7-141641813-C-A. GRCh37 (hg19) VCF-style: chr7-141341613-C-A.
Other names: p.Leu294Ile; c.880C>A, p.Leu294Ile (NM_001364948.3); short protein forms L294I.
Identifiers: ClinVar variation 380676 (VCV000380676.4), dbSNP rs139547145, ClinGen allele CA4517616.

ClinVar aggregate classification (germline): Conflicting classifications of pathogenicity. Review status: criteria provided, conflicting classifications (1 of 4 stars). 3 submissions from 3 submitters: Uncertain significance (2); Likely benign (1). Last evaluated 2024-04-03.

Conditions:
Sengers syndrome. Also called: MITOCHONDRIAL DNA DEPLETION SYNDROME 10 (CARDIOMYOPATHIC TYPE); Cardiomyopathy and cataract. Identifiers: Orphanet 1369, MedGen C1859317, MONDO:0008922, OMIM 212350.
Cataract 38. Also called: Cataract, autosomal recessive congenital 5; Cataract 38, autosomal recessive. Identifiers: Orphanet 91492, MedGen C3553494, MONDO:0013859, OMIM 614691.

Allele frequency attached by ClinVar (database versions not stated): gnomAD exomes below 0.00001 and 0.00002; gnomAD 0.00001 and 0.00003; TOPMed 0.00003; ExAC 0.00007.
gnomAD v4.1: 11 of 1,573,432 alleles (0.0007%); highest among the groups gnomAD compares: Non-Finnish European, 0.00086%; no homozygotes.

Submissions (3):

Mayo Clinic Laboratories, Mayo Clinic
Classification: Uncertain significance. Last evaluated: 2024-04-03. Review status: criteria provided, single submitter. Criteria: ACMG Guidelines, 2015. Collection method: clinical testing. Allele origin: germline. Observed: 1 variant allele.
Comment: BP4, PM2

Labcorp Genetics (formerly Invitae), Labcorp
Classification: Uncertain significance for Sengers syndrome; Cataract 38. Last evaluated: 2022-05-18. Review status: criteria provided, single submitter. Criteria: Invitae Variant Classification Sherloc (09022015). Collection method: clinical testing. Allele origin: germline.
Comment: This sequence change replaces leucine, which is neutral and non-polar, with isoleucine, which is neutral and non-polar, at codon 294 of the AGK protein (p.Leu294Ile). This variant is present in population databases (rs139547145, gnomAD 0.005%). This variant has not been reported in the literature in individuals affected with AGK-related conditions. ClinVar contains an entry for this variant (Variation ID: 380676). Algorithms developed to predict the effect of missense changes on protein structure and function output the following: SIFT: "Tolerated"; PolyPhen-2: "Benign"; Align-GVGD: "Class C0". The isoleucine amino acid residue is found in multiple mammalian species, which suggests that this missense change does not adversely affect protein function. In summary, the available evidence is currently insufficient to determine the role of this variant in disease. Therefore, it has been classified as a Variant of Uncertain Significance.

GeneDx
Classification: Likely benign. Last evaluated: 2015-09-17. Review status: criteria provided, single submitter. Criteria: GeneDx Variant Classification (06012015). Collection method: clinical testing. Allele origin: germline. Affected: yes.
Comment: This variant is considered likely benign or benign based on one or more of the following criteria: it is a conservative change, it occurs at a poorly conserved position in the protein, it is predicted to be benign by multiple in silico algorithms, and/or has population frequency not consistent with disease.